The following is an entry in ClinVar:

NM_007294.4(BRCA1):c.5153-10A>T

Gene: BRCA1 (BRCA1 DNA repair associated; minus strand). Cytogenetic location: 17q21.31.
Variant type: single nucleotide variant.
Coding change: c.5153-10A>T on transcript NM_007294.4 (MANE Select); 10 bases into the intron before coding-DNA position 5153, A replaced by T.
Molecular consequence: intron variant.
Genome position (GRCh38, 1-based): chr17:43,063,383, T>A on the plus strand (A>T on the coding strand, the complement: BRCA1 is on the minus strand). VCF-style: chr17-43063383-T-A. GRCh37 (hg19) VCF-style: chr17-41215400-T-A.
Other names: c.1700-10A>T (NM_001408458.1, NM_001408461.1, NM_001408464.1 and 7 more transcripts); c.4262-10A>T (NM_001407967.1); c.4772-10A>T (NM_001407959.1); c.4886-10A>T (NM_001407931.1, NM_001407932.1, NM_001407928.1 and 4 more transcripts); c.5009-10A>T (NM_001407747.1, NM_001407745.1, NM_001407737.1 and 21 more transcripts); c.4769-10A>T (NM_001407962.1, NM_001407960.1); c.1340-10A>T (NM_001408512.1); c.1463-10A>T (NM_001408510.1); and 72 more.
Identifiers: ClinVar variation 865060 (VCV000865060.11), dbSNP rs1238384819, ClinGen allele CA772173422.

ClinVar aggregate classification (germline): Likely benign (1 of 4 stars; one submission).

Conditions:
Hereditary breast ovarian cancer syndrome. Also called: Hereditary breast and/or ovarian cancer syndrome; BRCA1- and BRCA2-Associated Hereditary Breast and Ovarian Cancer; Hereditary breast and ovarian cancer syndrome; Hereditary breast and ovarian cancer; Hereditary breast and ovarian cancer syndrome (HBOC); Breast and ovarian cancer. Identifiers: Orphanet 145, MedGen C0677776, MeSH D061325, MONDO:0003582. Disease mechanism: loss of function.

Allele frequency attached by ClinVar (database versions not stated): TOPMed below 0.00001.

Submissions (2):

Labcorp Genetics (formerly Invitae), Labcorp
Classification: Likely benign for Hereditary breast ovarian cancer syndrome. Last evaluated: 2022-03-15. Review status: criteria provided, single submitter. Criteria: Invitae Variant Classification Sherloc (09022015). Collection method: clinical testing. Allele origin: germline.

Brotman Baty Institute, University of Washington
No classification provided (evidence only). Condition: Breast-ovarian cancer, familial 1. Review status: no classification provided. Collection method: in vitro. Allele origin: not applicable. Functional consequence: functionally_normal. Not counted in ClinVar's aggregate classification.
ClinVar note: "not provided" was previously submitted as the classification for the variant. However, the classification appeared to be based only on an observation of functional data so it was converted to no classification on 2025-07-30.